The following is an entry in ClinVar:

NM_000037.4(ANK1):c.478_484dup (p.His162fs)

Genes: ANK1 (ankyrin 1; minus strand), LOC124153154 (Sharpr-MPRA regulatory region 1462; plus strand). Cytogenetic location: 8p11.21.
Variant type: Duplication.
Coding change: c.478_484dup on transcript NM_000037.4 (MANE Select); coding-DNA positions 478 to 484, 7 bases duplicated (GTCGCGC; older notation c.478_484dupGTCGCGC).
Protein change: p.His162fs; shifts the reading frame from histidine 162.
Molecular consequence: frameshift variant.
Genome position (GRCh38, 1-based): chr8:41,725,889-41,725,895, GCGCGAC duplicated on the plus strand (GTCGCGC on the coding strand, the reverse complement: ANK1 is on the minus strand); duplicating any 7 consecutive bases within chr8:41,725,889-41,725,896 gives the same sequence; the c. name uses the placement nearest the transcript's 3' end. VCF-style (leftmost placement, unchanged base first): chr8-41725888-T-TGCGCGAC. GRCh37 (hg19) VCF-style: chr8-41583406-T-TGCGCGAC.
Other names: c.577_583dup, p.His195fs (NM_001142446.2); c.478_484dup, p.His162fs (NM_020475.3, NM_020476.3, NM_020477.3); short protein forms H162fs, H195fs.
Identifiers: ClinVar variation 4528356 (VCV004528356.1).

ClinVar aggregate classification (germline): Pathogenic (1 of 4 stars; one submission).

Conditions:
Hereditary spherocytosis type 1. Also called: Spherocytosis type 1; ANK1-Related Spherocytosis. Identifiers: Orphanet 822, MedGen C2674218, MONDO:0008447, OMIM 182900.

Submission:

Equipe Genetique des Anomalies du Developpement, Université de Bourgogne
Classification: Pathogenic for Hereditary spherocytosis type 1. Last evaluated: 2025-08-27. Review status: criteria provided, single submitter. Criteria: ACMG Guidelines, 2015. Collection method: clinical testing. Allele origin: germline. Affected: yes.
Comment: This is a heterozygous 7-base pair duplication NM_000037.4:c.478_484dup p.(His162ArgfsTer196) in the gene ANK1, leading to a frameshift and the introduction of a premature stop codon. This variant is absent from the database gnomAD (v4.1.0), and prediction metrics support a deleterious effect (pLI = 1; LOEUF = 0.30). Monoallelic loss-of-function variants in this gene are responsible for hereditary spherocytosis type 1 with autosomal dominant inheritance (MIM #182900). This syndrome is associated with spherocytosis and regenerative hemolytic anemia, also known as Minkowski–Chauffard disease (PMID: 8640229). According to current evidence, this variant is considered pathogenic.

Literature cited by the submitters: PubMed 8640229.